The following is an entry in ClinVar:

NM_024580.6(EFL1):c.2872T>A (p.Ser958Thr)

Gene: EFL1 (elongation factor like GTPase 1; minus strand). Cytogenetic location: 15q25.2.
Variant type: single nucleotide variant.
Coding change: c.2872T>A on transcript NM_024580.6 (MANE Select); coding-DNA position 2872, T replaced by A.
Protein change: p.Ser958Thr; replaces serine 958 with threonine.
Molecular consequence: missense variant. On other transcripts: non-coding transcript variant (1).
Genome position (GRCh38, 1-based): chr15:82,151,582, A>T on the plus strand (T>A on the coding strand, the complement: EFL1 is on the minus strand). VCF-style: chr15-82151582-A-T. GRCh37 (hg19) VCF-style: chr15-82443923-A-T.
Other names: c.2719T>A, p.Ser907Thr (NM_001040610.3); c.2083T>A, p.Ser695Thr (NM_001322844.2); c.2872T>A, p.Ser958Thr (NM_001322845.2); short protein forms S695T, S907T, S958T.
Identifiers: ClinVar variation 1900965 (VCV001900965.2), dbSNP rs777772132, ClinGen allele CA7697689.

ClinVar aggregate classification (germline): Uncertain significance (1 of 4 stars; one submission).

Allele frequency attached by ClinVar (database versions not stated): gnomAD exomes below 0.00001; ExAC 0.00001; gnomAD 0.00001; TOPMed 0.00001.
gnomAD v4.1: 4 of 1,614,018 alleles (0.00025%); highest among the groups gnomAD compares: African/African-American, 0.0053%; no homozygotes.

Submission:

Labcorp Genetics (formerly Invitae), Labcorp
Classification: Uncertain significance. Last evaluated: 2022-04-19. Review status: criteria provided, single submitter. Criteria: Invitae Variant Classification Sherloc (09022015). Collection method: clinical testing. Allele origin: germline.
Comment: This sequence change replaces serine, which is neutral and polar, with threonine, which is neutral and polar, at codon 958 of the EFL1 protein (p.Ser958Thr). This variant is present in population databases (rs777772132, gnomAD 0.01%). This variant has not been reported in the literature in individuals affected with EFL1-related conditions. Algorithms developed to predict the effect of missense changes on protein structure and function are either unavailable or do not agree on the potential impact of this missense change (SIFT: "Tolerated"; PolyPhen-2: "Possibly Damaging"; Align-GVGD: "Class C0"). In summary, the available evidence is currently insufficient to determine the role of this variant in disease. Therefore, it has been classified as a Variant of Uncertain Significance.